The following is an entry in ClinVar:

ClinVar aggregate classification (germline): Uncertain significance (1 of 4 stars; one submission).

Conditions:
Cardiovascular phenotype. Identifiers: MedGen CN230736.

Submission:

Ambry Genetics
Classification: Uncertain significance for Cardiovascular phenotype. Last evaluated: 2024-11-24. Review status: criteria provided, single submitter. Criteria: Ambry Variant Classification Scheme 2023. Collection method: clinical testing. Allele origin: germline.
Comment: The p.D329V variant (also known as c.986A>T), located in coding exon 7 of the SPRED1 gene, results from an A to T substitution at nucleotide position 986. The aspartic acid at codon 329 is replaced by valine, an amino acid with highly dissimilar properties. This amino acid position is conserved. In addition, this alteration is predicted to be deleterious by in silico analysis. Based on the available evidence, the clinical significance of this variant remains unclear.

NM_152594.3(SPRED1):c.986A>T (p.Asp329Val)

Gene: SPRED1 (sprouty related EVH1 domain containing 1; plus strand). Cytogenetic location: 15q14.
Variant type: single nucleotide variant.
Coding change: c.986A>T on transcript NM_152594.3 (MANE Select); coding-DNA position 986, A replaced by T.
Protein change: p.Asp329Val; replaces aspartic acid 329 with valine.
Molecular consequence: missense variant.
Genome position (GRCh38, 1-based): chr15:38,351,315, A>T. VCF-style: chr15-38351315-A-T. GRCh37 (hg19) VCF-style: chr15-38643516-A-T.
Other names: short protein forms D329V.
Identifiers: ClinVar variation 3448794 (VCV003448794.1).